The following is an entry in ClinVar:

ClinVar aggregate classification (germline): Likely pathogenic (1 of 4 stars; one submission).

Conditions:
Hypertrophic cardiomyopathy. Also called: HYPERTROPHIC MYOCARDIOPATHY. Identifiers: Orphanet 217569, MedGen C0007194, MeSH D002312, MONDO:0005045, HP:0001639.

Submission:

Labcorp Genetics (formerly Invitae), Labcorp
Classification: Likely pathogenic for Hypertrophic cardiomyopathy. Last evaluated: 2023-04-26. Review status: criteria provided, single submitter. Criteria: Invitae Variant Classification Sherloc (09022015). Collection method: clinical testing. Allele origin: germline.
Comment: In summary, the currently available evidence indicates that the variant is pathogenic, but additional data are needed to prove that conclusively. Therefore, this variant has been classified as Likely Pathogenic. An algorithm developed to predict the effect of missense changes on protein structure and function (PolyPhen-2) suggests that this variant is likely to be disruptive. This missense change has been observed in individual(s) with dilated cardiomyopathy (Invitae). In at least one individual the variant was observed to be de novo. This variant is not present in population databases (gnomAD no frequency). This sequence change replaces glycine, which is neutral and non-polar, with serine, which is neutral and polar, at codon 137 of the TNNI3 protein (p.Gly137Ser).

NM_000363.5(TNNI3):c.409G>A (p.Gly137Ser)

Gene: TNNI3 (troponin I3, cardiac type; minus strand). Cytogenetic location: 19q13.42.
Variant type: single nucleotide variant.
Coding change: c.409G>A on transcript NM_000363.5 (MANE Select); coding-DNA position 409, G replaced by A.
Protein change: p.Gly137Ser; replaces glycine 137 with serine.
Molecular consequence: missense variant.
Genome position (GRCh38, 1-based): chr19:55,154,170, C>T on the plus strand (G>A on the coding strand, the complement: TNNI3 is on the minus strand). VCF-style: chr19-55154170-C-T. GRCh37 (hg19) VCF-style: chr19-55665538-C-T.
Other names: short protein forms G137S.
Identifiers: ClinVar variation 2847012 (VCV002847012.3), dbSNP rs2515498567, ClinGen allele CA407440668.
Genomic context (GRCh38, chr19:55,154,170, plus strand): 5'-CCTGCATCATGGCATCTGCAGAGATCCTCACTCTCCGCAGGGTGGGCCGCTTAAACTTGC[C>T]TCGAAGGTCAAAGATCTTCTGAGTCAGATCTGCAATCTGGGGGCACACGAGGGGGTGGGT-3'
Protein context (NP_000354.4, residues 127-147): DLTQKIFDLR[Gly137Ser]KFKRPTLRRV